The following is an entry in ClinVar:

ClinVar aggregate classification (germline): Benign (1 of 4 stars; one submission).

Allele frequency attached by ClinVar (database versions not stated): gnomAD 0.14218 and 0.15167; 1000 Genomes Project 0.15073; 1000 Genomes Project 30x 0.15838; TOPMed 0.16725.
gnomAD v4.1: 15,686 of 111,349 alleles (14%); highest among the groups gnomAD compares: African/African-American, 47%; 2,618 homozygotes.

Submission:

GeneDx
Classification: Benign. Last evaluated: 2018-06-14. Review status: criteria provided, single submitter. Criteria: GeneDx Variant Classification (06012015). Collection method: clinical testing. Allele origin: germline. Affected: yes.
Comment: This variant is considered likely benign or benign based on one or more of the following criteria: it is a conservative change, it occurs at a poorly conserved position in the protein, it is predicted to be benign by multiple in silico algorithms, and/or has population frequency not consistent with disease.

NM_004006.3(DMD):c.960+312T>G

Gene: DMD (dystrophin; minus strand). Cytogenetic location: Xp21.1.
Variant type: single nucleotide variant.
Coding change: c.960+312T>G on transcript NM_004006.3 (MANE Select); 312 bases into the intron after coding-DNA position 960, T replaced by G.
Molecular consequence: intron variant.
Genome position (GRCh38, 1-based): chrX:32,697,558, A>C on the plus strand (T>G on the coding strand, the complement: DMD is on the minus strand). VCF-style: chrX-32697558-A-C. GRCh37 (hg19) VCF-style: chrX-32715675-A-C.
Other names: c.936+312T>G (NM_000109.4); c.948+312T>G (NM_004009.3); c.591+312T>G (NM_004010.3).
Identifiers: ClinVar variation 680691 (VCV000680691.1), dbSNP rs6631629, ClinGen allele CA328553643.